The following is an entry in ClinVar:

NM_198252.3(GSN):c.2083G>A (p.Val695Met)

Gene: GSN (gelsolin; plus strand). Cytogenetic location: 9q33.2.
Variant type: single nucleotide variant.
Coding change: c.2083G>A on transcript NM_198252.3 (MANE Select); coding-DNA position 2083, G replaced by A.
Protein change: p.Val695Met; replaces valine 695 with methionine.
Molecular consequence: missense variant.
Genome position (GRCh38, 1-based): chr9:121,332,490, G>A. VCF-style: chr9-121332490-G-A. GRCh37 (hg19) VCF-style: chr9-124094768-G-A.
Other names: c.2236G>A, p.Val746Met (NM_000177.5); c.2083G>A, p.Val695Met (NM_001127662.2, NM_001127664.2, NM_001127665.2 and 10 more transcripts); c.2191G>A, p.Val731Met (NM_001127663.2); c.2116G>A, p.Val706Met (NM_001127666.2, NM_001127667.2, NM_001353063.2 and 13 more transcripts); c.2134G>A, p.Val712Met (NM_001258029.2); c.2107G>A, p.Val703Met (NM_001258030.2); c.2155G>A, p.Val719Met (NM_001353076.2); c.1429G>A, p.Val477Met (NM_001353078.2); short protein forms V477M, V695M, V703M, V706M, V719M, V712M, V746M, V731M.
Identifiers: ClinVar variation 4978626 (VCV004978626.1).

ClinVar aggregate classification (germline): Uncertain significance (1 of 4 stars; one submission).

Conditions:
GSN-related disorder. Also called: GSN-related condition.

gnomAD v4.1: 10 of 1,613,848 alleles (0.00062%); highest among the groups gnomAD compares: Admixed American, 0.0083%; no homozygotes.

Submission:

PreventionGenetics, part of Exact Sciences
Classification: Uncertain significance for GSN-related condition. Last evaluated: 2025-08-18. Review status: criteria provided, single submitter. Criteria: ACMG Guidelines, 2015. Collection method: clinical testing. Allele origin: germline.
Comment: The GSN c.2236G>A variant is predicted to result in the amino acid substitution p.Val746Met. To our knowledge, this variant has not been reported in the literature. This variant is reported in 0.00088% of alleles in individuals of European (non-Finnish) descent in gnomAD. At this time, the clinical significance of this variant is uncertain due to the absence of conclusive functional and genetic evidence.